The following is an entry in ClinVar:

NM_206933.4(USH2A):c.8885T>C (p.Leu2962Pro)

Gene: USH2A (usherin; minus strand). Cytogenetic location: 1q41.
Variant type: single nucleotide variant.
Coding change: c.8885T>C on transcript NM_206933.4 (MANE Select); coding-DNA position 8885, T replaced by C.
Protein change: p.Leu2962Pro; replaces leucine 2962 with proline.
Molecular consequence: missense variant.
Genome position (GRCh38, 1-based): chr1:215,845,994, A>G on the plus strand (T>C on the coding strand, the complement: USH2A is on the minus strand). VCF-style: chr1-215845994-A-G. GRCh37 (hg19) VCF-style: chr1-216019336-A-G.
Other names: short protein forms L2962P.
Identifiers: ClinVar variation 1512649 (VCV001512649.6), dbSNP rs1016491364, ClinGen allele CA37444496.
Genomic context (GRCh38, chr1:215,845,994, plus strand): 5'-TGAGAGTTTACATCTGGCAAGATTTTTAGAGAGTCGTTTGAGGTAGCAGAACTCCAAAAA[A>G]GTGTGTAATATTCAACTTCACCTTGTAGGTCTTGAACAGCTGTCAACAATAAATGCAGGA-3'
Protein context (NP_996816.3, residues 2952-2972): DLQGEVEYYT[Leu2962Pro]FWSSATSNDS

ClinVar aggregate classification (germline): Uncertain significance. Review status: criteria provided, multiple submitters, no conflicts (2 of 4 stars). 2 submissions from 2 submitters: Uncertain significance (2). Last evaluated 2025-06-09.

Allele frequency attached by ClinVar (database versions not stated): gnomAD exomes below 0.00001; TOPMed 0.00002.
gnomAD v4.1: 2 of 1,613,892 alleles (0.00012%); highest among the groups gnomAD compares: East Asian, 0.0022%; no homozygotes.

Submissions (2):

Women's Health and Genetics/Laboratory Corporation of America, LabCorp
Classification: Uncertain significance. Last evaluated: 2025-06-09. Review status: criteria provided, single submitter. Criteria: LabCorp Variant Classification Summary - May 2015. Collection method: clinical testing. Allele origin: germline.
Comment: Variant summary: USH2A c.8885T>C (p.Leu2962Pro) results in a non-conservative amino acid change in the encoded protein sequence. Algorithms developed to predict the effect of missense changes on protein structure and function are either unavailable or do not agree on the potential impact of this missense change. The variant allele was found at a frequency of 4e-06 in 251036 control chromosomes. The available data on variant occurrences in the general population are insufficient to allow any conclusion about variant significance. To our knowledge, no occurrence of c.8885T>C in individuals affected with Usher Syndrome and no experimental evidence demonstrating its impact on protein function have been reported. ClinVar contains an entry for this variant (Variation ID: 1512649). Based on the evidence outlined above, the variant was classified as uncertain significance.

Labcorp Genetics (formerly Invitae), Labcorp
Classification: Uncertain significance. Last evaluated: 2022-10-25. Review status: criteria provided, single submitter. Criteria: Invitae Variant Classification Sherloc (09022015). Collection method: clinical testing. Allele origin: germline.
Comment: This sequence change replaces leucine, which is neutral and non-polar, with proline, which is neutral and non-polar, at codon 2962 of the USH2A protein (p.Leu2962Pro). This variant is present in population databases (no rsID available, gnomAD 0.007%). This variant has not been reported in the literature in individuals affected with USH2A-related conditions. ClinVar contains an entry for this variant (Variation ID: 1512649). Algorithms developed to predict the effect of missense changes on protein structure and function (SIFT, PolyPhen-2, Align-GVGD) all suggest that this variant is likely to be disruptive. In summary, the available evidence is currently insufficient to determine the role of this variant in disease. Therefore, it has been classified as a Variant of Uncertain Significance.